The following is an entry in ClinVar:

NM_001035.3(RYR2):c.4518G>T (p.Glu1506Asp)

Gene: RYR2 (ryanodine receptor 2; plus strand). Cytogenetic location: 1q43.
Variant type: single nucleotide variant.
Coding change: c.4518G>T on transcript NM_001035.3 (MANE Select); coding-DNA position 4518, G replaced by T.
Protein change: p.Glu1506Asp; replaces glutamic acid 1506 with aspartic acid.
Molecular consequence: missense variant.
Genome position (GRCh38, 1-based): chr1:237,595,579, G>T. VCF-style: chr1-237595579-G-T. GRCh37 (hg19) VCF-style: chr1-237758879-G-T.
Other names: short protein forms E1506D.
Identifiers: ClinVar variation 2774294 (VCV002774294.2), dbSNP rs775280276, ClinGen allele CA345400471.

ClinVar aggregate classification (germline): Uncertain significance (1 of 4 stars; one submission).

Conditions:
Cardiomyopathy (CMYO). Also called: Cardiomyopathies. Identifiers: Orphanet 167848, MedGen C0878544, MONDO:0004994, HP:0001638. Inheritance: Various modes of inheritance.

Submission:

Color Diagnostics, LLC DBA Color Health
Classification: Uncertain significance for Cardiomyopathy. Last evaluated: 2023-04-11. Review status: criteria provided, single submitter. Criteria: ACMG Guidelines, 2015. Collection method: clinical testing. Allele origin: germline.
Comment: This missense variant replaces glutamic acid with aspartic acid at codon 1506 of the RYR2 protein. Computational prediction suggests that this variant may not impact protein structure and function (internally defined REVEL score threshold <= 0.5, PMID: 27666373). To our knowledge, functional studies have not been reported for this variant. This variant has not been reported in individuals affected with RYR2-related disorders in the literature. This variant has not been identified in the general population by the Genome Aggregation Database (gnomAD). The available evidence is insufficient to determine the role of this variant in disease conclusively. Therefore, this variant is classified as a Variant of Uncertain Significance.